The following is an entry in ClinVar:

NM_177438.3(DICER1):c.4027C>A (p.Leu1343Ile)

Gene: DICER1 (dicer 1, ribonuclease III; minus strand). Cytogenetic location: 14q32.13.
Variant type: single nucleotide variant.
Coding change: c.4027C>A on transcript NM_177438.3 (MANE Select); coding-DNA position 4027, C replaced by A.
Protein change: p.Leu1343Ile; replaces leucine 1343 with isoleucine.
Molecular consequence: missense variant. On other transcripts: non-coding transcript variant (6).
Genome position (GRCh38, 1-based): chr14:95,103,369, G>T on the plus strand (C>A on the coding strand, the complement: DICER1 is on the minus strand). VCF-style: chr14-95103369-G-T. GRCh37 (hg19) VCF-style: chr14-95569706-G-T.
Other names: c.4027C>A, p.Leu1343Ile (NM_001195573.1, NM_001271282.3, NM_001291628.2 and 13 more transcripts); c.3745C>A, p.Leu1249Ile (NM_001395686.1); c.3622C>A, p.Leu1208Ile (NM_001395687.1, NM_001395688.1, NM_001395689.1 and 2 more transcripts); c.3460C>A, p.Leu1154Ile (NM_001395691.1); c.2344C>A, p.Leu782Ile (NM_001395697.1); short protein forms L1343I, L1154I, L1208I, L1249I, L782I.
Identifiers: ClinVar variation 2760766 (VCV002760766.3), dbSNP rs2542684055, ClinGen allele CA390872928.

ClinVar aggregate classification (germline): Uncertain significance (1 of 4 stars; one submission).

Conditions:
DICER1-related tumor predisposition. Also called: DICER1-related pleuropulmonary blastoma cancer predisposition syndrome; DICER1 syndrome. Identifiers: Orphanet 284343, MedGen C3839822, MONDO:0100216.

Submission:

Labcorp Genetics (formerly Invitae), Labcorp
Classification: Uncertain significance for DICER1-related tumor predisposition. Last evaluated: 2023-09-14. Review status: criteria provided, single submitter. Criteria: Invitae Variant Classification Sherloc (09022015). Collection method: clinical testing. Allele origin: germline.
Comment: This sequence change replaces leucine, which is neutral and non-polar, with isoleucine, which is neutral and non-polar, at codon 1343 of the DICER1 protein (p.Leu1343Ile). This variant is not present in population databases (gnomAD no frequency). This variant has not been reported in the literature in individuals affected with DICER1-related conditions. Advanced modeling of protein sequence and biophysical properties (such as structural, functional, and spatial information, amino acid conservation, physicochemical variation, residue mobility, and thermodynamic stability) performed at Invitae indicates that this missense variant is expected to disrupt DICER1 protein function. In summary, the available evidence is currently insufficient to determine the role of this variant in disease. Therefore, it has been classified as a Variant of Uncertain Significance.